The following is an entry in ClinVar:

ClinVar aggregate classification (germline): Uncertain significance. Review status: criteria provided, multiple submitters, no conflicts (2 of 4 stars). 2 submissions from 2 submitters: Uncertain significance (2). Last evaluated 2025-06-12.

Conditions:
CEP164-related disorder. Also called: CEP164-related condition.
Nephronophthisis 15 (NPHP15). Identifiers: Orphanet 3156, MedGen C3541853, MONDO:0013917, OMIM 614845.

Allele frequency attached by ClinVar (database versions not stated): TOPMed below 0.00001; ExAC 0.00002; gnomAD 0.00002; 1000 Genomes Project 30x 0.00016; 1000 Genomes Project 0.00020.
gnomAD v4.1: 17 of 1,613,928 alleles (0.0011%); highest among the groups gnomAD compares: Middle Eastern, 0.017%; no homozygotes.

Submissions (2):

PreventionGenetics, part of Exact Sciences
Classification: Uncertain significance for CEP164-related condition. Last evaluated: 2025-06-12. Review status: criteria provided, single submitter. Criteria: ACMG Guidelines, 2015. Collection method: clinical testing. Allele origin: germline.
Comment: The CEP164 c.1312C>T variant is predicted to result in the amino acid substitution p.Arg438Trp. To our knowledge, this variant has not been reported in the literature. This variant is reported in 0.0065% of alleles in individuals of South Asian descent in gnomAD. At this time, the clinical significance of this variant is uncertain due to the absence of conclusive functional and genetic evidence.

Labcorp Genetics (formerly Invitae), Labcorp
Classification: Uncertain significance for Nephronophthisis 15. Last evaluated: 2025-02-17. Review status: criteria provided, single submitter. Criteria: Invitae Variant Classification Sherloc (09022015). Collection method: clinical testing. Allele origin: germline.
Comment: This sequence change replaces arginine, which is basic and polar, with tryptophan, which is neutral and slightly polar, at codon 438 of the CEP164 protein (p.Arg438Trp). This variant is present in population databases (rs200358522, gnomAD 0.006%). This variant has not been reported in the literature in individuals affected with CEP164-related conditions. ClinVar contains an entry for this variant (Variation ID: 2043086). An algorithm developed to predict the effect of missense changes on protein structure and function outputs the following: PolyPhen-2: "Benign". The tryptophan amino acid residue is found in multiple mammalian species, which suggests that this missense change does not adversely affect protein function. In summary, the available evidence is currently insufficient to determine the role of this variant in disease. Therefore, it has been classified as a Variant of Uncertain Significance.

NM_014956.5(CEP164):c.1312C>T (p.Arg438Trp)

Gene: CEP164 (centrosomal protein 164; plus strand). Cytogenetic location: 11q23.3.
Variant type: single nucleotide variant.
Coding change: c.1312C>T on transcript NM_014956.5 (MANE Select); coding-DNA position 1312, C replaced by T.
Protein change: p.Arg438Trp; replaces arginine 438 with tryptophan.
Molecular consequence: missense variant.
Genome position (GRCh38, 1-based): chr11:117,375,786, C>T. VCF-style: chr11-117375786-C-T. GRCh37 (hg19) VCF-style: chr11-117246502-C-T.
Other names: c.1312C>T, p.Arg438Trp (NM_001271933.2); c.1312C>T (NM_014956.4); short protein forms R438W.
Identifiers: ClinVar variation 2043086 (VCV002043086.4), dbSNP rs200358522, ClinGen allele CA6294707.